The following is an entry in ClinVar:

ClinVar aggregate classification (germline): Uncertain significance (1 of 4 stars; one submission).

Conditions:
Spondyloepimetaphyseal dysplasia, PAPSS2 type. Also called: SPONDYLODYSPLASIA AND PREMATURE PUBARCHE; BRACHYOLMIA TYPE 4 WITH MILD EPIPHYSEAL AND METAPHYSEAL CHANGES; SEMD, PAKISTANI TYPE. Identifiers: Orphanet 93282, MedGen C2748516, MONDO:0019666, OMIM 612847.

Allele frequency attached by ClinVar (database versions not stated): gnomAD exomes below 0.00001; ExAC 0.00002.
gnomAD v4.1: 4 of 1,613,456 alleles (0.00025%); highest among the groups gnomAD compares: Non-Finnish European, 0.00034%; no homozygotes.

Submission:

Labcorp Genetics (formerly Invitae), Labcorp
Classification: Uncertain significance for Spondyloepimetaphyseal dysplasia, PAPSS2 type. Last evaluated: 2022-06-29. Review status: criteria provided, single submitter. Criteria: Invitae Variant Classification Sherloc (09022015). Collection method: clinical testing. Allele origin: germline.
Comment: In summary, the available evidence is currently insufficient to determine the role of this variant in disease. Therefore, it has been classified as a Variant of Uncertain Significance. Algorithms developed to predict the effect of missense changes on protein structure and function are either unavailable or do not agree on the potential impact of this missense change (SIFT: "Tolerated"; PolyPhen-2: "Possibly Damaging"; Align-GVGD: "Class C0"). This variant has not been reported in the literature in individuals affected with PAPSS2-related conditions. This variant is present in population databases (rs745360414, gnomAD 0.003%). This sequence change replaces cysteine, which is neutral and slightly polar, with arginine, which is basic and polar, at codon 355 of the PAPSS2 protein (p.Cys355Arg).

NM_001015880.2(PAPSS2):c.1063T>C (p.Cys355Arg)

Gene: PAPSS2 (3'-phosphoadenosine 5'-phosphosulfate synthase 2; plus strand). Cytogenetic location: 10q23.31.
Variant type: single nucleotide variant.
Coding change: c.1063T>C on transcript NM_001015880.2 (MANE Select); coding-DNA position 1063, T replaced by C.
Protein change: p.Cys355Arg; replaces cysteine 355 with arginine.
Molecular consequence: missense variant.
Genome position (GRCh38, 1-based): chr10:87,727,466, T>C. VCF-style: chr10-87727466-T-C. GRCh37 (hg19) VCF-style: chr10-89487223-T-C.
Other names: c.1048T>C, p.Cys350Arg (NM_004670.4); short protein forms C355R, C350R.
Identifiers: ClinVar variation 2200912 (VCV002200912.4), dbSNP rs745360414, ClinGen allele CA5589635.
Genomic context (GRCh38, chr10:87,727,466, plus strand): 5'-GACGCTGAATTCTATGAACACAGAAAAGAGGAACGCTGTTCCCGTGTTTGGGGGACAACA[T>C]GTACAAAACACCCCCATATCAAAGTAAGTCACAAAACCTTTGGAAGGACTTTCTTGAGCT-3'
Protein context (NP_001015880.1, residues 345-365): ERCSRVWGTT[Cys355Arg]TKHPHIKMVM